The following is an entry in ClinVar:

NM_133433.4(NIPBL):c.7617_7618del (p.Ser2540fs)

Gene: NIPBL (NIPBL cohesin loading factor; plus strand). Cytogenetic location: 5p13.2.
Variant type: Microsatellite.
Coding change: c.7617_7618del on transcript NM_133433.4 (MANE Select); coding-DNA positions 7617 to 7618, 2 bases deleted (GT; older notation c.7617_7618delGT).
Protein change: p.Ser2540fs; shifts the reading frame from serine 2540.
Molecular consequence: frameshift variant.
Genome position (GRCh38, 1-based): chr5:37,059,097-37,059,098, GT deleted; deleting any 2 consecutive bases within chr5:37,059,094-37,059,098 gives the same sequence; the c. name uses the placement nearest the transcript's 3' end. VCF-style (leftmost placement, unchanged base first): chr5-37059093-ATG-A. GRCh37 (hg19) VCF-style: chr5-37059195-ATG-A.
Other names: c.7617_7618del, p.Ser2540fs (NM_015384.5); short protein forms S2540fs.
Identifiers: ClinVar variation 2124135 (VCV002124135.4), dbSNP rs2478718213, ClinGen allele CA2580613551.
Genomic context (GRCh38, chr5:37,059,093, plus strand): 5'-ATATAAATTCAGTGATGAAATGTTTGCCAGAAAATTCAGCTCCTTTAATCGAATTTGCAA[ATG>A]TGTCCCAGGGTATTTTATTACTTCTCATGTTAAAACAACATTTGAAGAATCTTTGTGGAT-3'

ClinVar aggregate classification (germline): Pathogenic (1 of 4 stars; one submission).

Conditions:
Cornelia de Lange syndrome 1 (CDLS1). Also called: Brachmann de Lange syndrome; NIPBL-Related Cornelia de Lange Syndrome; TYPUS DEGENERATIVUS AMSTELODAMENSIS. Identifiers: Orphanet 199, MedGen C4551851, MONDO:0007387, OMIM 122470.

Submission:

Labcorp Genetics (formerly Invitae), Labcorp
Classification: Pathogenic for Cornelia de Lange syndrome 1. Last evaluated: 2022-04-10. Review status: criteria provided, single submitter. Criteria: Invitae Variant Classification Sherloc (09022015). Collection method: clinical testing. Allele origin: germline.
Comment: This sequence change creates a premature translational stop signal (p.Ser2540Profs*21) in the NIPBL gene. It is expected to result in an absent or disrupted protein product. Loss-of-function variants in NIPBL are known to be pathogenic (PMID: 15318302, 19763162, 23505322, 29995837). This variant is not present in population databases (gnomAD no frequency). This variant has not been reported in the literature in individuals affected with NIPBL-related conditions. For these reasons, this variant has been classified as Pathogenic.

Literature cited by the submitters: PubMed 15318302; PubMed 19763162; PubMed 23505322; PubMed 29995837.